The following is an entry in ClinVar:

NM_007194.4(CHEK2):c.1117A>G (p.Lys373Glu)

Gene: CHEK2 (checkpoint kinase 2; minus strand). Cytogenetic location: 22q12.1.
Variant type: single nucleotide variant.
Coding change: c.1117A>G on transcript NM_007194.4 (MANE Select); coding-DNA position 1117, A replaced by G.
Protein change: p.Lys373Glu; replaces lysine 373 with glutamic acid.
Molecular consequence: missense variant.
Genome position (GRCh38, 1-based): chr22:28,695,852, T>C on the plus strand (A>G on the coding strand, the complement: CHEK2 is on the minus strand). VCF-style: chr22-28695852-T-C. GRCh37 (hg19) VCF-style: chr22-29091840-T-C.
Other names: c.1246A>G, p.Lys416Glu (NM_001005735.3); c.454A>G, p.Lys152Glu (NM_001257387.3); c.916A>G, p.Lys306Glu (NM_001349956.3); c.1030A>G, p.Lys344Glu (NM_145862.3); short protein forms K373E, K306E, K344E, K152E, K416E.
Identifiers: ClinVar variation 481100 (VCV000481100.24), dbSNP rs74751600, ClinGen allele CA10167720.

ClinVar aggregate classification (germline): Uncertain significance. Review status: criteria provided, multiple submitters, no conflicts (2 of 4 stars). 7 submissions from 7 submitters: Uncertain significance (7). Last evaluated 2025-03-04.

Conditions:
CHEK2-related cancer predisposition (TPDS4). Also called: TUMOR PREDISPOSITION SYNDROME 4; CANCER PREDISPOSITION SYNDROME, CHEK2-RELATED; CHEK2-related cancer susceptibility. Identifiers: Orphanet 524, MedGen C5882668, MONDO:0700271, OMIM 609265.
Familial cancer of breast. Also called: BREAST CANCER, FAMILIAL; Hereditary breast cancer; hereditary breast carcinoma. Identifiers: Orphanet 227535, MedGen C0346153, MONDO:0016419, OMIM 114480. Disease mechanism: loss of function.
Hereditary cancer-predisposing syndrome. Also called: Hereditary Cancer Syndrome; Neoplastic Syndromes, Hereditary; Tumor predisposition; Hereditary neoplastic syndrome. Identifiers: Orphanet 140162, MedGen C0027672, MeSH D009386, MONDO:0015356.

Allele frequency attached by ClinVar (database versions not stated): ExAC 0.02589.

Submissions (7):

Center for Genomic Medicine, Rigshospitalet, Copenhagen University Hospital
Classification: Uncertain significance. Last evaluated: 2025-03-04. Review status: criteria provided, single submitter. Criteria: ACMG Guidelines, 2015. Collection method: clinical testing. Allele origin: germline.

Color Diagnostics, LLC DBA Color Health
Classification: Uncertain significance for Hereditary cancer-predisposing syndrome. Last evaluated: 2023-12-01. Review status: criteria provided, single submitter. Criteria: ACMG Guidelines, 2015. Collection method: clinical testing. Allele origin: germline.
Comment: This missense variant replaces lysine with glutamic acid at codon 373 of the CHEK2 protein. Computational prediction suggests that this variant may not impact protein structure and function (internally defined REVEL score threshold <= 0.5, PMID: 27666373). Functional studies have reported that this variant impacts CHEK2 function in autophosphorylation and phosphorylation of KAP1 (PMID: 27716909). This variant has been reported in at least 5 individuals affected with breast cancer (PMID: 28135048, 30287823) and in a breast cancer case-control meta-analysis in 20/73048 female BC cases and 3/88658 unaffected controls with OR 10.8 (95% CI 3.20-56.75) (PMID: 37449874). This variant has not been identified in the general population by the Genome Aggregation Database (gnomAD). The available evidence is insufficient to determine the role of this variant in disease conclusively. Therefore, this variant is classified as a Variant of Uncertain Significance.

Labcorp Genetics (formerly Invitae), Labcorp
Classification: Uncertain significance for Familial cancer of breast. Last evaluated: 2023-06-30. Review status: criteria provided, single submitter. Criteria: Invitae Variant Classification Sherloc (09022015). Collection method: clinical testing. Allele origin: germline.
Comment: In summary, the available evidence is currently insufficient to determine the role of this variant in disease. Therefore, it has been classified as a Variant of Uncertain Significance. Experimental studies have shown that this missense change affects CHEK2 function (PMID: 27716909). An algorithm developed to predict the effect of missense changes on protein structure and function (PolyPhen-2) suggests that this variant is likely to be disruptive. ClinVar contains an entry for this variant (Variation ID: 481100). This variant is also known as as c.1246A>G (p.Lys416Glu). This missense change has been observed in individual(s) with breast cancer (PMID: 28135048). The frequency data for this variant in the population databases is considered unreliable, as metrics indicate poor data quality at this position in the gnomAD database. This sequence change replaces lysine, which is basic and polar, with glutamic acid, which is acidic and polar, at codon 373 of the CHEK2 protein (p.Lys373Glu).

Department of Pathology and Laboratory Medicine, Sinai Health System
Classification: Uncertain significance for CHEK2-related cancer predisposition. Last evaluated: 2022-12-13. Review status: criteria provided, single submitter. Criteria: ACMG Guidelines, 2015. Collection method: clinical testing. Allele origin: germline. Affected: yes.

Ambry Genetics
Classification: Uncertain significance for Hereditary cancer-predisposing syndrome. Last evaluated: 2022-11-29. Review status: criteria provided, single submitter. Criteria: Ambry Variant Classification Scheme 2023. Collection method: clinical testing. Allele origin: germline.
Comment: The p.K373E variant (also known as c.1117A>G), located in coding exon 10 of the CHEK2 gene, results from an A to G substitution at nucleotide position 1117. The lysine at codon 373 is replaced by glutamic acid, an amino acid with similar properties. This alteration was identified in 4 individuals of Chinese descent with triple negative breast cancer, but was not identified in the Asian control population in this study (Liu et al. Cancer Med. 2017 Mar;6(3):547-554). This alteration has been reported as a somatic alteration and was shown to result in disrupted CHK2 autophosphorylation and disrupted CHK2 kinase activity (Higashiguchi M et al. FEBS Lett., 2016 Oct). This alteration has been reported with a carrier frequency of 0.00014 in 7051 unselected breast cancer patients and 0.0000 in 11241 female controls of Japanese ancestry (Momozawa Y et al. Nat Commun, 2018 10;9:4083). Based on data from gnomAD, the frequency for this variant is above the maximum credible frequency for a disease-causing variant in this gene based on internally established thresholds (Karczewski et al. Nature. 2020 May;581(7809):434-443; Whiffin et al. Genet Med. 2017 10;19:1151-1158). Of note, this alteration is also described in the literature as c.1246A>G using the isoform NM_001005735.1. This amino acid position is highly conserved in available vertebrate species. In addition, the in silico prediction for this alteration is inconclusive. Since supporting evidence is conflicting at this time, the clinical significance of this alteration remains unclear.

Institute of Human Genetics, University of Leipzig Medical Center
Classification: Uncertain significance for Familial cancer of breast. Last evaluated: 2018-10-24. Review status: criteria provided, single submitter. Criteria: ACMG Guidelines, 2015. Collection method: clinical testing. Allele origin: germline. Affected: yes. Observed: 1 variant allele.

Mendelics
Classification: Uncertain significance for Familial cancer of breast. Last evaluated: 2018-07-02. Review status: criteria provided, single submitter. Criteria: Mendelics Assertion Criteria 2017. Collection method: clinical testing. Allele origin: unknown.

Literature cited by the submitters: PubMed 30287823 (cited by 4 submitters); PubMed 37449874 (cited by Center for Genomic Medicine, Rigshospitalet, Copenhagen University Hospital and Color Diagnostics, LLC DBA Color Health); PubMed 27716909 (cited by 4 submitters); PubMed 28135048 (cited by 4 submitters); PubMed 26752676 (cited by Ambry Genetics).